The following is an entry in ClinVar:

NM_001039213.4(CEACAM16):c.434G>A (p.Arg145His)

Genes: CEACAM16-AS1 (CEACAM16, CEACAM19 and PVR antisense RNA 1; minus strand), CEACAM16 (CEA cell adhesion molecule 16, tectorial membrane component; plus strand). Cytogenetic location: 19q13.32.
Variant type: single nucleotide variant.
Coding change: c.434G>A on transcript NM_001039213.4 (MANE Select); coding-DNA position 434, G replaced by A.
Protein change: p.Arg145His; replaces arginine 145 with histidine.
Molecular consequence: missense variant.
Genome position (GRCh38, 1-based): chr19:44,704,069, G>A. VCF-style: chr19-44704069-G-A. GRCh37 (hg19) VCF-style: chr19-45207339-G-A.
Other names: short protein forms R145H.
Identifiers: ClinVar variation 3706902 (VCV003706902.3).

ClinVar aggregate classification (germline): Uncertain significance. Review status: criteria provided, multiple submitters, no conflicts (2 of 4 stars). 2 submissions from 2 submitters: Uncertain significance (2). Last evaluated 2024-10-10.

Conditions:
Autosomal dominant nonsyndromic hearing loss 4B. Identifiers: Orphanet 90635, MedGen C3281297, MONDO:0013823, OMIM 614614.

gnomAD v4.1: 9 of 1,610,610 alleles (0.00056%); highest among the groups gnomAD compares: Middle Eastern, 0.02%; no homozygotes.

Submissions (2):

Labcorp Genetics (formerly Invitae), Labcorp
Classification: Uncertain significance. Last evaluated: 2024-10-10. Review status: criteria provided, single submitter. Criteria: Invitae Variant Classification Sherloc (09022015). Collection method: clinical testing. Allele origin: germline.
Comment: This sequence change replaces arginine, which is basic and polar, with histidine, which is basic and polar, at codon 145 of the CEACAM16 protein (p.Arg145His). The frequency data for this variant in the population databases is considered unreliable, as metrics indicate poor data quality at this position in the gnomAD database. This variant has not been reported in the literature in individuals affected with CEACAM16-related conditions. Invitae Evidence Modeling of protein sequence and biophysical properties (such as structural, functional, and spatial information, amino acid conservation, physicochemical variation, residue mobility, and thermodynamic stability) indicates that this missense variant is not expected to disrupt CEACAM16 protein function with a negative predictive value of 80%. In summary, the available evidence is currently insufficient to determine the role of this variant in disease. Therefore, it has been classified as a Variant of Uncertain Significance.

Precision Medicine Center, Zhengzhou University
Classification: Uncertain significance for Autosomal dominant nonsyndromic hearing loss 4B. Last evaluated: 2006-06-30. Review status: criteria provided, single submitter. Criteria: ClinGen HL ACMG Specifications v1. Collection method: clinical testing. Allele origin: maternal. Affected: yes.
Comment: PM2+PP1:c.434G>A is classified as Likely Pathogenic for autosomal dominant nonsyndromic hearing loss based on absence in population databases (PM2) ,Segregation in two affected relatives for dominant(PP1), according to ACMG/AMP guidelines. According to the ACMG/AMP guidelines, this variant is classified as Variant of Uncertain Significance (VUS).